The following is an entry in ClinVar:

NM_000530.8(MPZ):c.474G>A (p.Leu158=)

Gene: MPZ (myelin protein zero; minus strand). Cytogenetic location: 1q23.3.
Variant type: single nucleotide variant.
Coding change: c.474G>A on transcript NM_000530.8 (MANE Select); coding-DNA position 474, G replaced by A.
Protein change: p.Leu158=; no amino-acid change (leucine 158 retained).
Molecular consequence: synonymous variant.
Genome position (GRCh38, 1-based): chr1:161,306,439, C>T on the plus strand (G>A on the coding strand, the complement: MPZ is on the minus strand). VCF-style: chr1-161306439-C-T. GRCh37 (hg19) VCF-style: chr1-161276229-C-T.
Other names: c.474G>A, p.Leu158= (NM_001315491.2).
Identifiers: ClinVar variation 1969732 (VCV001969732.5), dbSNP rs1161359905, ClinGen allele CA421404796.

ClinVar aggregate classification (germline): Uncertain significance (1 of 4 stars; one submission).

Conditions:
Charcot-Marie-Tooth disease, type I (CMT1). Also called: Charcot-Marie-Tooth, Type 1; Charcot-Marie-Tooth disease type 1. Identifiers: Orphanet 65753, MedGen C0751036, MONDO:0019011.

Submission:

Labcorp Genetics (formerly Invitae), Labcorp
Classification: Uncertain significance for Charcot-Marie-Tooth disease, type I. Last evaluated: 2022-11-13. Review status: criteria provided, single submitter. Criteria: Invitae Variant Classification Sherloc (09022015). Collection method: clinical testing. Allele origin: germline.
Comment: This sequence change affects codon 158 of the MPZ mRNA. It is a 'silent' change, meaning that it does not change the encoded amino acid sequence of the MPZ protein. This variant is not present in population databases (gnomAD no frequency). This variant has not been reported in the literature in individuals affected with MPZ-related conditions. Algorithms developed to predict the effect of sequence changes on RNA splicing suggest that this variant may create or strengthen a splice site. In summary, the available evidence is currently insufficient to determine the role of this variant in disease. Therefore, it has been classified as a Variant of Uncertain Significance.